The following is an entry in ClinVar:

NM_006231.4(POLE):c.2143C>A (p.Gln715Lys)

Gene: POLE (DNA polymerase epsilon, catalytic subunit; minus strand). Cytogenetic location: 12q24.33.
Variant type: single nucleotide variant.
Coding change: c.2143C>A on transcript NM_006231.4 (MANE Select); coding-DNA position 2143, C replaced by A.
Protein change: p.Gln715Lys; replaces glutamine 715 with lysine.
Molecular consequence: missense variant.
Genome position (GRCh38, 1-based): chr12:132,668,386, G>T on the plus strand (C>A on the coding strand, the complement: POLE is on the minus strand). VCF-style: chr12-132668386-G-T. GRCh37 (hg19) VCF-style: chr12-133244972-G-T.
Other names: short protein forms Q715K.
Identifiers: ClinVar variation 1483178 (VCV001483178.6), dbSNP rs2135974805, ClinGen allele CA387353691.
Genomic context (GRCh38, chr12:132,668,386, plus strand): 5'-TTACAGCCGTGACCATGCCCAGGCACTCACCCGCCAGCCTTCTCTTCTCGTATTTCGCCT[G>T]TTCCTCGCGGGACAGTTCATGAAAGGCCCGAGCTGGCCCCTCTGGGAACAAGGGGGGGAA-3'
Protein context (NP_006222.2, residues 705-725): RAFHELSREE[Gln715Lys]AKYEKRRLAD

ClinVar aggregate classification (germline): Uncertain significance (1 of 4 stars; one submission).

Submission:

Labcorp Genetics (formerly Invitae), Labcorp
Classification: Uncertain significance. Last evaluated: 2022-06-07. Review status: criteria provided, single submitter. Criteria: Invitae Variant Classification Sherloc (09022015). Collection method: clinical testing. Allele origin: germline.
Comment: This variant has not been reported in the literature in individuals affected with POLE-related conditions. Algorithms developed to predict the effect of missense changes on protein structure and function are either unavailable or do not agree on the potential impact of this missense change (SIFT: "Tolerated"; PolyPhen-2: "Possibly Damaging"; Align-GVGD: "Class C0"). In summary, the available evidence is currently insufficient to determine the role of this variant in disease. Therefore, it has been classified as a Variant of Uncertain Significance. This variant is not present in population databases (gnomAD no frequency). This sequence change replaces glutamine, which is neutral and polar, with lysine, which is basic and polar, at codon 715 of the POLE protein (p.Gln715Lys).